The following is an entry in ClinVar:

NM_005257.6(GATA6):c.797C>G (p.Ser266Cys)

Gene: GATA6 (GATA binding protein 6; plus strand). Cytogenetic location: 18q11.2.
Variant type: single nucleotide variant.
Coding change: c.797C>G on transcript NM_005257.6 (MANE Select); coding-DNA position 797, C replaced by G.
Protein change: p.Ser266Cys; replaces serine 266 with cysteine.
Molecular consequence: missense variant.
Genome position (GRCh38, 1-based): chr18:22,171,941, C>G. VCF-style: chr18-22171941-C-G. GRCh37 (hg19) VCF-style: chr18-19751902-C-G.
Other names: short protein forms S266C.
Identifiers: ClinVar variation 1432271 (VCV001432271.6), dbSNP rs2143277461, ClinGen allele CA401800856.

ClinVar aggregate classification (germline): Uncertain significance (1 of 4 stars; one submission).

Conditions:
Atrioventricular septal defect 5 (AVSD5). Identifiers: MedGen C3280939, MONDO:0013769, OMIM 614474.

Submission:

Labcorp Genetics (formerly Invitae), Labcorp
Classification: Uncertain significance for Atrioventricular septal defect 5. Last evaluated: 2021-11-09. Review status: criteria provided, single submitter. Criteria: Invitae Variant Classification Sherloc (09022015). Collection method: clinical testing. Allele origin: germline.
Comment: Algorithms developed to predict the effect of missense changes on protein structure and function are either unavailable or do not agree on the potential impact of this missense change (SIFT: "Deleterious"; PolyPhen-2: "Probably Damaging"; Align-GVGD: "Class C0"). This variant has not been reported in the literature in individuals affected with GATA6-related conditions. In summary, the available evidence is currently insufficient to determine the role of this variant in disease. Therefore, it has been classified as a Variant of Uncertain Significance. This variant is not present in population databases (gnomAD no frequency). This sequence change replaces serine, which is neutral and polar, with cysteine, which is neutral and slightly polar, at codon 266 of the GATA6 protein (p.Ser266Cys).